The following is an entry in ClinVar:

NM_144670.6(A2ML1):c.463-9C>G

Gene: A2ML1 (alpha-2-macroglobulin like 1; plus strand). Cytogenetic location: 12p13.31.
Variant type: single nucleotide variant.
Coding change: c.463-9C>G on transcript NM_144670.6 (MANE Select); 9 bases into the intron before coding-DNA position 463, C replaced by G.
Molecular consequence: intron variant.
Genome position (GRCh38, 1-based): chr12:8,834,653, C>G. VCF-style: chr12-8834653-C-G. GRCh37 (hg19) VCF-style: chr12-8987249-C-G.
Identifiers: ClinVar variation 413819 (VCV000413819.18), dbSNP rs11047493, ClinGen allele CA6435314.

ClinVar aggregate classification (germline): Benign. Review status: criteria provided, multiple submitters, no conflicts (2 of 4 stars). 6 submissions from 6 submitters: Benign (4). 2 of the submissions do not count toward it. Last evaluated 2026-02-02.

Allele frequency attached by ClinVar (database versions not stated): gnomAD exomes 0.00669; ExAC 0.00813; ESP Exome Variant Server 0.02662; gnomAD 0.02666 and 0.02873; 1000 Genomes Project 0.02975; TOPMed 0.03008; 1000 Genomes Project 30x 0.03373.
gnomAD v4.1: 8,034 of 1,613,992 alleles (0.5%); highest among the groups gnomAD compares: African/African-American, 9.2%; 348 homozygotes.

Submissions (15):

Labcorp Genetics (formerly Invitae), Labcorp
Classification: Benign. Last evaluated: 2026-02-02. Review status: criteria provided, single submitter. Criteria: Invitae Variant Classification Sherloc (09022015). Collection method: clinical testing. Allele origin: germline.

Women's Health and Genetics/Laboratory Corporation of America, LabCorp
Classification: Benign. Last evaluated: 2017-07-06. Review status: criteria provided, single submitter. Criteria: LabCorp Variant Classification Summary - May 2015. Collection method: clinical testing. Allele origin: germline.
Comment: Variant summary: The A2ML1 c.463-9C>G variant involves the alteration of a non-conserved intronic nucleotide. Mutation taster predicts a polymorphism outcome for this variant. 4/5 splice prediction tools predict no significant impact on normal splicing. This variant was found in 981/120728 control chromosomes (46 homozygotes) from ExAC, predominantly observed in the African subpopulation at a frequency of 0.090937 (891/9798). This frequency is about 22734 times the estimated maximal expected allele frequency of a pathogenic A2ML1 variant (0.000004), thus it is a common benign polymorphism found primarily in the populations of African origin. It has also been published as a benign SNP in literature (Justino_2014/2015). In addition, one clinical diagnostic laboratory (via ClinVar) has classified this variant as benign. Taken together, this variant is classified as benign.

GeneDx
Classification: Benign. Last evaluated: 2016-12-22. Review status: criteria provided, single submitter. Criteria: GeneDx Variant Classification (06012015). Collection method: clinical testing. Allele origin: germline. Affected: yes.
Comment: This variant is considered likely benign or benign based on one or more of the following criteria: it is a conservative change, it occurs at a poorly conserved position in the protein, it is predicted to be benign by multiple in silico algorithms, and/or has population frequency not consistent with disease.

Breakthrough Genomics
Classification: Benign. Review status: criteria provided, single submitter. Criteria: ACMG Guidelines, 2015. Collection method: not provided. Allele origin: germline. Inheritance: Autosomal dominant inheritance. Affected: yes.

Clinical Genetics, Academic Medical Center
Classification: Benign. Review status: no assertion criteria provided. Collection method: clinical testing. Allele origin: germline. Affected: yes. Study: VKGL Data-share Consensus. Not counted in ClinVar's aggregate classification.

Dr. Peter K. Rogan Lab, Western University
No classification provided (evidence only). Condition: Uterine corpus endometrial carcinoma. Review status: no classification provided. Collection method: in vitro. Allele origin: not applicable. Functional consequence: retained intron. Not counted in ClinVar's aggregate classification.

Dr. Peter K. Rogan Lab, Western University
No classification provided (evidence only). Condition: Uterine corpus endometrial carcinoma. Review status: no classification provided. Collection method: in vitro. Allele origin: not applicable. Functional consequence: retained intron. Not counted in ClinVar's aggregate classification.

Dr. Peter K. Rogan Lab, Western University
No classification provided (evidence only). Condition: Uterine corpus endometrial carcinoma. Review status: no classification provided. Collection method: in vitro. Allele origin: not applicable. Functional consequence: retained intron. Not counted in ClinVar's aggregate classification.

Dr. Peter K. Rogan Lab, Western University
No classification provided (evidence only). Condition: Uterine corpus endometrial carcinoma. Review status: no classification provided. Collection method: in vitro. Allele origin: not applicable. Functional consequence: retained intron. Not counted in ClinVar's aggregate classification.

Dr. Peter K. Rogan Lab, Western University
No classification provided (evidence only). Condition: Uterine corpus endometrial carcinoma. Review status: no classification provided. Collection method: in vitro. Allele origin: not applicable. Functional consequence: retained intron. Not counted in ClinVar's aggregate classification.

Dr. Peter K. Rogan Lab, Western University
No classification provided (evidence only). Condition: Cervical cancer. Review status: no classification provided. Collection method: in vitro. Allele origin: not applicable. Functional consequence: retained intron. Not counted in ClinVar's aggregate classification.

Dr. Peter K. Rogan Lab, Western University
No classification provided (evidence only). Condition: Cervical cancer. Review status: no classification provided. Collection method: in vitro. Allele origin: not applicable. Functional consequence: retained intron. Not counted in ClinVar's aggregate classification.

Dr. Peter K. Rogan Lab, Western University
No classification provided (evidence only). Condition: Cervical cancer. Review status: no classification provided. Collection method: in vitro. Allele origin: not applicable. Functional consequence: retained intron. Not counted in ClinVar's aggregate classification.

Dr. Peter K. Rogan Lab, Western University
No classification provided (evidence only). Condition: Sarcoma. Review status: no classification provided. Collection method: in vitro. Allele origin: not applicable. Functional consequence: retained intron. Not counted in ClinVar's aggregate classification.

Joint Genome Diagnostic Labs from Nijmegen and Maastricht, Radboudumc and MUMC+
Classification: Benign. Review status: no assertion criteria provided. Collection method: clinical testing. Allele origin: germline. Affected: yes. Study: VKGL Data-share Consensus. Not counted in ClinVar's aggregate classification.

Literature cited by the submitters: PubMed 24896146 (cited by Women's Health and Genetics/Laboratory Corporation of America, LabCorp).